The following is an entry in ClinVar:

NM_005149.3(TBX19):c.377C>T (p.Pro126Leu)

Gene: TBX19 (T-box transcription factor 19; plus strand). Cytogenetic location: 1q24.2.
Variant type: single nucleotide variant.
Coding change: c.377C>T on transcript NM_005149.3 (MANE Select); coding-DNA position 377, C replaced by T.
Protein change: p.Pro126Leu; replaces proline 126 with leucine.
Molecular consequence: missense variant.
Genome position (GRCh38, 1-based): chr1:168,291,333, C>T. VCF-style: chr1-168291333-C-T. GRCh37 (hg19) VCF-style: chr1-168260571-C-T.
Other names: short protein forms P126L.
Identifiers: ClinVar variation 828147 (VCV000828147.2), dbSNP rs753455443, ClinGen allele CA1230469.
Genomic context (GRCh38, chr1:168,291,333, plus strand): 5'-GGGAATGGGTGCCCGCTGGCAAGCCAGAGGTCTCCAGCCACAGCTGCGTCTACATTCACC[C>T]GGACTCCCCCAACTTTGGGGCCCACTGGATGAAAGCTCCCATCTCCTTCAGCAAAGTGAA-3'
Protein context (NP_005140.1, residues 116-136): VSSHSCVYIH[Pro126Leu]DSPNFGAHWM

ClinVar aggregate classification (germline): Pathogenic. Review status: criteria provided, single submitter (1 of 4 stars). 2 submissions from 2 submitters: Pathogenic (1). 1 of the submissions does not count toward it. Last evaluated 2026-01-14.

Conditions:
Congenital isolated adrenocorticotropic hormone deficiency. Also called: ACTH deficiency; Adrenocorticotropic hormone deficiency; ACTH DEFICIENCY, ISOLATED. Identifiers: Orphanet 199296, MedGen C0342388, MONDO:0008720, OMIM 201400, HP:0011748.

Allele frequency attached by ClinVar (database versions not stated): gnomAD 0.00001; gnomAD exomes 0.00001; TOPMed 0.00001; ExAC 0.00002.
gnomAD v4.1: 11 of 1,614,102 alleles (0.00068%); highest among the groups gnomAD compares: East Asian, 0.0022%; no homozygotes.

Submissions (2):

Women's Health and Genetics/Laboratory Corporation of America, LabCorp
Classification: Pathogenic for Congenital isolated adrenocorticotropic hormone deficiency. Last evaluated: 2026-01-14. Review status: criteria provided, single submitter. Criteria: LabCorp Variant Classification Summary - May 2015. Collection method: clinical testing. Allele origin: germline.
Comment: Variant summary: TBX19 c.377C>T (p.Pro126Leu) results in a non-conservative amino acid change in the encoded protein sequence. Algorithms developed to predict the effect of missense changes on protein structure and function all suggest that this variant is likely to be disruptive. The variant allele was found at a frequency of 8e-06 in 251400 control chromosomes (gnomAD). c.377C>T has been observed in multiple individuals affected with Adrenocorticotropic Hormone Deficiency (e.g. Peng_2019, Dang_2024, Lei_2025). These data indicate that the variant is very likely to be associated with disease. At least one publication reports experimental evidence evaluating an impact on protein function, finding that the variant results in reduced protein expression and transcriptional activity using a promotor construct (Lei_2025). The following publications have been ascertained in the context of this evaluation (PMID: 31998673, 39776042, 39664280). ClinVar contains an entry for this variant (Variation ID: 828147). Based on the evidence outlined above, the variant was classified as pathogenic.

Biochemical Molecular Genetic Laboratory, King Abdulaziz Medical City
Classification: Uncertain significance for Congenital isolated adrenocorticotropic hormone deficiency. Last evaluated: 2020-02-05. Review status: no assertion criteria provided. Collection method: clinical testing. Allele origin: germline. Affected: yes. Not counted in ClinVar's aggregate classification.

Literature cited by the submitters: PubMed 39664280 (cited by Women's Health and Genetics/Laboratory Corporation of America, LabCorp); PubMed 39776042 (cited by Women's Health and Genetics/Laboratory Corporation of America, LabCorp); PubMed 31998673 (cited by Women's Health and Genetics/Laboratory Corporation of America, LabCorp).